The following is an entry in ClinVar:

NM_002693.3(POLG):c.3590G>A (p.Cys1197Tyr)

Gene: POLG (DNA polymerase gamma, catalytic subunit; minus strand). Cytogenetic location: 15q26.1.
Variant type: single nucleotide variant.
Coding change: c.3590G>A on transcript NM_002693.3 (MANE Select); coding-DNA position 3590, G replaced by A.
Protein change: p.Cys1197Tyr; replaces cysteine 1197 with tyrosine.
Molecular consequence: missense variant.
Genome position (GRCh38, 1-based): chr15:89,317,429, C>T on the plus strand (G>A on the coding strand, the complement: POLG is on the minus strand). VCF-style: chr15-89317429-C-T. GRCh37 (hg19) VCF-style: chr15-89860660-C-T.
Other names: c.3590G>A, p.Cys1197Tyr (NM_001126131.2); short protein forms C1197Y.
Identifiers: ClinVar variation 2009082 (VCV002009082.1), dbSNP rs2509183359, ClinGen allele CA393747402.
Genomic context (GRCh38, chr15:89,317,429, plus strand): 5'-TGCTCACCCTGGGGAATCCCGTATCTCCTTTCCATCCCAGTTGGGTTGGAAGGGGTTTTA[C>T]AATCCATGGTCACTTCCTTCCTGAGGCACCGGTCAATATCGACTGCACTGAAAAAGGCGA-3'
Protein context (NP_002684.1, residues 1187-1207): RCLRKEVTMD[Cys1197Tyr]KTPSNPTGME

ClinVar aggregate classification (germline): Uncertain significance (1 of 4 stars; one submission).

Conditions:
Progressive sclerosing poliodystrophy (MTDPS4A). Also called: Mitochondrial DNA Depletion Syndrome 4A; ALPERS PROGRESSIVE INFANTILE POLIODYSTROPHY; NEURONAL DEGENERATION OF CHILDHOOD WITH LIVER DISEASE, PROGRESSIVE; Mitochondrial DNA depletion syndrome 4A (Alpers type); Alpers Syndrome; ALPERS DIFFUSE DEGENERATION OF CEREBRAL GRAY MATTER WITH HEPATIC CIRRHOSIS. Identifiers: Orphanet 726, MedGen C0205710, MONDO:0008758, OMIM 203700.

gnomAD v4.1: 1 of 1,614,120 alleles (0.000062%); highest among the groups gnomAD compares: East Asian, 0.0022%; no homozygotes.

Submission:

Labcorp Genetics (formerly Invitae), Labcorp
Classification: Uncertain significance for Progressive sclerosing poliodystrophy. Last evaluated: 2022-06-22. Review status: criteria provided, single submitter. Criteria: Invitae Variant Classification Sherloc (09022015). Collection method: clinical testing. Allele origin: germline.
Comment: This sequence change replaces cysteine, which is neutral and slightly polar, with tyrosine, which is neutral and polar, at codon 1197 of the POLG protein (p.Cys1197Tyr). This variant is not present in population databases (gnomAD no frequency). This variant has not been reported in the literature in individuals affected with POLG-related conditions. Algorithms developed to predict the effect of missense changes on protein structure and function are either unavailable or do not agree on the potential impact of this missense change (SIFT: "Deleterious"; PolyPhen-2: "Probably Damaging"; Align-GVGD: "Class C15"). In summary, the available evidence is currently insufficient to determine the role of this variant in disease. Therefore, it has been classified as a Variant of Uncertain Significance.